The following is an entry in ClinVar:

ClinVar aggregate classification (germline): Uncertain significance. Review status: criteria provided, multiple submitters, no conflicts (2 of 4 stars). 2 submissions from 2 submitters: Uncertain significance (2). Last evaluated 2025-10-15.

Conditions:
Inborn genetic diseases. Identifiers: MedGen C0950123, MeSH D030342.

Allele frequency attached by ClinVar (database versions not stated): TOPMed 0.00002; gnomAD 0.00004 and 0.00003; ESP Exome Variant Server 0.00008; gnomAD exomes 0.00001; ExAC 0.00002.
gnomAD v4.1: 24 of 1,611,924 alleles (0.0015%); highest among the groups gnomAD compares: Non-Finnish European, 0.0017%; no homozygotes.

Submissions (2):

Ambry Genetics
Classification: Uncertain significance for Inborn genetic diseases. Last evaluated: 2025-10-15. Review status: criteria provided, single submitter. Criteria: Ambry Variant Classification Scheme 2023. Collection method: clinical testing. Allele origin: germline.

Labcorp Genetics (formerly Invitae), Labcorp
Classification: Uncertain significance. Last evaluated: 2022-08-15. Review status: criteria provided, single submitter. Criteria: Invitae Variant Classification Sherloc (09022015). Collection method: clinical testing. Allele origin: germline.
Comment: This sequence change replaces proline, which is neutral and non-polar, with arginine, which is basic and polar, at codon 1552 of the NBAS protein (p.Pro1552Arg). This variant is present in population databases (rs375982561, gnomAD 0.008%). This variant has not been reported in the literature in individuals affected with NBAS-related conditions. ClinVar contains an entry for this variant (Variation ID: 1373832). Algorithms developed to predict the effect of missense changes on protein structure and function (SIFT, PolyPhen-2, Align-GVGD) all suggest that this variant is likely to be disruptive. In summary, the available evidence is currently insufficient to determine the role of this variant in disease. Therefore, it has been classified as a Variant of Uncertain Significance.

NM_015909.4(NBAS):c.4655C>G (p.Pro1552Arg)

Gene: NBAS (NBAS subunit of NRZ tethering complex; minus strand). Cytogenetic location: 2p24.3.
Variant type: single nucleotide variant.
Coding change: c.4655C>G on transcript NM_015909.4 (MANE Select); coding-DNA position 4655, C replaced by G.
Protein change: p.Pro1552Arg; replaces proline 1552 with arginine.
Molecular consequence: missense variant. On other transcripts: non-coding transcript variant (1).
Genome position (GRCh38, 1-based): chr2:15,309,175, G>C on the plus strand (C>G on the coding strand, the complement: NBAS is on the minus strand). VCF-style: chr2-15309175-G-C. GRCh37 (hg19) VCF-style: chr2-15449299-G-C.
Other names: c.4655C>G (NM_015909.2); short protein forms P1552R.
Identifiers: ClinVar variation 1373832 (VCV001373832.6), dbSNP rs375982561, ClinGen allele CA1535576.